The following is an entry in ClinVar:

NM_001303457.2(TTI1):c.65C>G (p.Thr22Arg)

Gene: TTI1 (TELO2 interacting protein 1; minus strand). Cytogenetic location: 20q11.23.
Variant type: single nucleotide variant.
Coding change: c.65C>G on transcript NM_001303457.2 (MANE Select); coding-DNA position 65, C replaced by G.
Protein change: p.Thr22Arg; replaces threonine 22 with arginine.
Molecular consequence: missense variant.
Genome position (GRCh38, 1-based): chr20:38,013,752, G>C on the plus strand (C>G on the coding strand, the complement: TTI1 is on the minus strand). VCF-style: chr20-38013752-G-C. GRCh37 (hg19) VCF-style: chr20-36642154-G-C.
Other names: c.65C>G, p.Thr22Arg (NM_014657.3); short protein forms T22R.
Identifiers: ClinVar variation 4855450 (VCV004855450.1).

ClinVar aggregate classification (germline): Uncertain significance (1 of 4 stars; one submission).

Conditions:
Neurodevelopmental disorder with microcephaly and movement abnormalities (NEDMIM). Identifiers: MedGen C5830624, MONDO:0957531, OMIM 620445.

Submission:

3billion
Classification: Uncertain significance for Neurodevelopmental disorder with microcephaly and movement abnormalities. Last evaluated: 2025-10-14. Review status: criteria provided, single submitter. Criteria: ACMG Guidelines, 2015. Collection method: clinical testing. Allele origin: germline. Affected: yes.
Comment: The variant is not observed in the gnomAD v4.1.0 dataset. Predicted Consequence/Location: Missense variant. Missense changes are a common disease-causing mechanism. In silico tool predictions suggest damaging effect of the variant on gene or gene product [REVEL: 0.84 (>=0.6, sensitivity 0.68 and specificity 0.92)]. Therefore, this variant is classified as VUS according to the recommendation of ACMG/AMP guideline.